The following is an entry in ClinVar:

ClinVar aggregate classification (germline): Likely pathogenic (1 of 4 stars; one submission).

Conditions:
Breast-ovarian cancer, familial, susceptibility to, 2 (BROVCA2). Also called: BRCA2 Hereditary Breast and Ovarian Cancer. Identifiers: Orphanet 145, MedGen C2675520, MONDO:0012933, OMIM 612555. Disease mechanism: loss of function.

Submission:

Laboratorio de Genetica e Diagnostico Molecular, Hospital Israelita Albert Einstein
Classification: Likely pathogenic for Breast-ovarian cancer, familial, susceptibility to, 2. Last evaluated: 2022-02-24. Review status: criteria provided, single submitter. Criteria: ACMG Guidelines, 2015. Collection method: clinical testing. Allele origin: germline. Affected: yes. Observed: 1 variant allele.
Comment: ACMG classification criteria: PVS1 very strong, PM2

NM_000059.4(BRCA2):c.5908_5909del (p.Ser1970fs)

Gene: BRCA2 (BRCA2 DNA repair associated; plus strand). Cytogenetic location: 13q13.1.
Variant type: Microsatellite.
Coding change: c.5908_5909del on transcript NM_000059.4 (MANE Select); coding-DNA positions 5908 to 5909, 2 bases deleted (TC; older notation c.5908_5909delTC).
Protein change: p.Ser1970fs; shifts the reading frame from serine 1970.
Molecular consequence: frameshift variant.
Genome position (GRCh38, 1-based): chr13:32,340,263-32,340,264, TC deleted; deleting any 2 consecutive bases within chr13:32,340,261-32,340,264 gives the same sequence; the c. name uses the placement nearest the transcript's 3' end. VCF-style (leftmost placement, unchanged base first): chr13-32340260-GTC-G. GRCh37 (hg19) VCF-style: chr13-32914397-GTC-G.
Other names: c.5906_5907TC[1], p.Ser1970Ilefs (NM_001406719.1, NM_001406720.1); short protein forms S1970fs.
Identifiers: ClinVar variation 2431886 (VCV002431886.1), dbSNP rs2548532060, ClinGen allele CA2580614697.